The following is an entry in ClinVar:

ClinVar aggregate classification (germline): Uncertain significance (1 of 4 stars; one submission).

Conditions:
O'Donnell-Luria-Rodan syndrome (ODLURO). Also called: KMT2E-Related Neurodevelopmental Disorder. Identifiers: MedGen C5193138, MONDO:0032793, OMIM 618512.

Submission:

Neuberg Centre For Genomic Medicine, NCGM
Classification: Uncertain significance for O'Donnell-Luria-Rodan syndrome. Review status: criteria provided, single submitter. Criteria: ACMG Guidelines, 2015. Collection method: clinical testing. Allele origin: germline. Inheritance: Autosomal dominant inheritance. Affected: yes.
Comment: The frame shift variant c.5078dup (p.Pro1694ThrfsTer175) in KMT2E (NM_182931.3) has not been reported previously as a pathogenic variant nor as a benign variant, to our knowledge. The p.Pro1694ThrfsTer175 variant is novel (not in any individuals) in gnomAD Exomes and 1000 Genomes. This variant causes a frameshift starting with codon Proline 1694, changes this amino acid to Threonine residue, and creates a premature Stop codon at position 175 of the new reading frame, denoted p.Pro1694ThrfsTer175. However since this variant is present in the last exon functional studies will be required to prove protein truncation. For these reasons, this variant has been classified as Uncertain Significance (VUS).

NM_182931.3(KMT2E):c.5078dup (p.Pro1694fs)

Gene: KMT2E (lysine methyltransferase 2E (inactive); plus strand). Cytogenetic location: 7q22.3.
Variant type: Duplication.
Coding change: c.5078dup on transcript NM_182931.3 (MANE Select); coding-DNA position 5078, one base duplicated (C; older notation c.5078dupC).
Protein change: p.Pro1694fs; shifts the reading frame from proline 1694.
Molecular consequence: frameshift variant.
Genome position (GRCh38, 1-based): chr7:105,112,834, C duplicated; the last of 2 consecutive C bases (chr7:105,112,833-105,112,834); duplicating either gives the same sequence. VCF-style (leftmost placement, unchanged base first): chr7-105112832-A-AC. GRCh37 (hg19) VCF-style: chr7-104753279-A-AC.
Other names: c.4952dup, p.Pro1652fs (NM_001410908.1); c.5078dup, p.Pro1694fs (NM_018682.4); short protein forms P1694fs, P1652fs.
Identifiers: ClinVar variation 2585352 (VCV002585352.1), dbSNP rs2536527739, ClinGen allele CA2582341929.